The following is an entry in ClinVar:

ClinVar aggregate classification (germline): Likely benign. Review status: criteria provided, multiple submitters, no conflicts (2 of 4 stars). 3 submissions from 3 submitters: Likely benign (3). Last evaluated 2025-12-16.

Conditions:
ABCC6-related disorder. Also called: ABCC6-related condition.

Allele frequency attached by ClinVar (database versions not stated): ESP Exome Variant Server 0.00008; ExAC 0.00002; gnomAD 0.00003 and 0.00004; TOPMed 0.00003.
gnomAD v4.1: 9 of 1,614,110 alleles (0.00056%); highest among the groups gnomAD compares: African/African-American, 0.011%; no homozygotes.

Submissions (3):

PreventionGenetics, part of Exact Sciences
Classification: Likely benign for ABCC6-related condition. Last evaluated: 2025-12-16. Review status: criteria provided, single submitter. Criteria: ACMG Guidelines, 2015. Collection method: clinical testing. Allele origin: germline.
Comment: This variant is classified as likely benign based on ACMG/AMP sequence variant interpretation guidelines (Richards et al. 2015 PMID: 25741868, with internal and published modifications).

Labcorp Genetics (formerly Invitae), Labcorp
Classification: Likely benign. Last evaluated: 2025-10-12. Review status: criteria provided, single submitter. Criteria: Invitae Variant Classification Sherloc (09022015). Collection method: clinical testing. Allele origin: germline.

Women's Health and Genetics/Laboratory Corporation of America, LabCorp
Classification: Likely benign. Last evaluated: 2024-09-24. Review status: criteria provided, single submitter. Criteria: LabCorp Variant Classification Summary - May 2015. Collection method: clinical testing. Allele origin: germline.

NM_001171.6(ABCC6):c.2478G>C (p.Leu826=)

Gene: ABCC6 (ATP binding cassette subfamily C member 6; minus strand). Cytogenetic location: 16p13.11.
Variant type: single nucleotide variant.
Coding change: c.2478G>C on transcript NM_001171.6 (MANE Select); coding-DNA position 2478, G replaced by C.
Protein change: p.Leu826=; no amino-acid change (leucine 826 retained).
Molecular consequence: synonymous variant.
Genome position (GRCh38, 1-based): chr16:16,177,564, C>G on the plus strand (G>C on the coding strand, the complement: ABCC6 is on the minus strand). VCF-style: chr16-16177564-C-G. GRCh37 (hg19) VCF-style: chr16-16271421-C-G.
Other names: c.2136G>C, p.Leu712= (NM_001351800.1).
Identifiers: ClinVar variation 733890 (VCV000733890.9), dbSNP rs138026855, ClinGen allele CA7925905.